The following is an entry in ClinVar:

ClinVar aggregate classification (germline): Benign (1 of 4 stars; one submission).

Allele frequency attached by ClinVar (database versions not stated): 1000 Genomes Project 0.87999; TOPMed 0.88543; gnomAD 0.89145 and 0.89588.

Submission:

GeneDx
Classification: Benign. Last evaluated: 2018-06-19. Review status: criteria provided, single submitter. Criteria: GeneDx Variant Classification (06012015). Collection method: clinical testing. Allele origin: germline. Affected: yes.
Comment: This variant is considered likely benign or benign based on one or more of the following criteria: it is a conservative change, it occurs at a poorly conserved position in the protein, it is predicted to be benign by multiple in silico algorithms, and/or has population frequency not consistent with disease.

NM_016138.5(COQ7):c.368-278_368-275dup

Gene: COQ7 (coenzyme Q7, hydroxylase; plus strand). Cytogenetic location: 16p12.3.
Variant type: Duplication.
Coding change: c.368-278_368-275dup on transcript NM_016138.5 (MANE Select); 278 bases into the intron before coding-DNA position 368 through 275 bases into the intron before coding-DNA position 368, 4 bases duplicated (GCCT; older notation c.368-278_368-275dupGCCT).
Molecular consequence: intron variant.
Genome position (GRCh38, 1-based): chr16:19,075,443-19,075,446, GCCT duplicated. VCF-style (leftmost placement, unchanged base first): chr16-19075442-C-CGCCT. GRCh37 (hg19) VCF-style: chr16-19086764-C-CGCCT.
Other names: c.368-278_368-275dup (NM_001370490.1); c.254-278_254-275dup (NM_001370494.1, NM_001190983.2, NM_001370495.1 and 2 more transcripts); c.326-278_326-275dup (NM_001370489.1, NM_001370491.1).
Identifiers: ClinVar variation 669795 (VCV000669795.1), dbSNP rs56155740, ClinGen allele CA278725896.